The following is an entry in ClinVar:

NM_001972.4(ELANE):c.367-3C>T

Gene: ELANE (elastase, neutrophil expressed; plus strand). Cytogenetic location: 19p13.3.
Variant type: single nucleotide variant.
Coding change: c.367-3C>T on transcript NM_001972.4 (MANE Select); 3 bases into the intron before coding-DNA position 367, C replaced by T.
Molecular consequence: intron variant.
Genome position (GRCh38, 1-based): chr19:855,561, C>T. VCF-style: chr19-855561-C-T. GRCh37 (hg19) VCF-style: chr19-855561-C-T.
Identifiers: ClinVar variation 2141199 (VCV002141199.4), dbSNP rs997231196, ClinGen allele CA303944666.

ClinVar aggregate classification (germline): Uncertain significance (1 of 4 stars; one submission).

Conditions:
Neutropenia, severe congenital, 1, autosomal dominant. Identifiers: MedGen C1859966, MONDO:0042490, OMIM 202700.
Cyclical neutropenia. Also called: Cyclic hematopoiesis; Cyclic Neutropenia. Identifiers: Orphanet 2686, MedGen C0221023, MONDO:0008090, OMIM 162800, HP:0040289. Disease mechanism: loss of function.

Allele frequency attached by ClinVar (database versions not stated): gnomAD exomes below 0.00001; TOPMed 0.00001.
gnomAD v4.1: 2 of 1,598,940 alleles (0.00013%); highest among the groups gnomAD compares: Admixed American, 0.0017%; no homozygotes.

Submission:

Labcorp Genetics (formerly Invitae), Labcorp
Classification: Uncertain significance for Neutropenia, severe congenital, 1, autosomal dominant; Cyclical neutropenia. Last evaluated: 2025-12-22. Review status: criteria provided, single submitter. Criteria: Invitae Variant Classification Sherloc (09022015). Collection method: clinical testing. Allele origin: germline.
Comment: This sequence change falls in intron 3 of the ELANE gene. It does not directly change the encoded amino acid sequence of the ELANE protein. It affects a nucleotide within the consensus splice site. The frequency data for this variant in the population databases is considered unreliable, as metrics indicate poor data quality at this position in the gnomAD database. This variant has not been reported in the literature in individuals affected with ELANE-related conditions. ClinVar contains an entry for this variant (Variation ID: 2141199). Variants that disrupt the consensus splice site are a relatively common cause of aberrant splicing (PMID: 17576681, 9536098). Algorithms developed to predict the effect of sequence changes on RNA splicing suggest that this variant is not likely to affect RNA splicing. In summary, the available evidence is currently insufficient to determine the role of this variant in disease. Therefore, it has been classified as a Variant of Uncertain Significance.

Literature cited by the submitters: PubMed 17576681; PubMed 9536098.